The following is an entry in ClinVar:

ClinVar aggregate classification (germline): Uncertain significance (1 of 4 stars; one submission).

gnomAD v4.1: 21 of 1,613,996 alleles (0.0013%); highest among the groups gnomAD compares: Non-Finnish European, 0.0018%; no homozygotes.

Submission:

Labcorp Genetics (formerly Invitae), Labcorp
Classification: Uncertain significance. Last evaluated: 2025-04-09. Review status: criteria provided, single submitter. Criteria: Invitae Variant Classification Sherloc (09022015). Collection method: clinical testing. Allele origin: germline.
Comment: This sequence change replaces tyrosine, which is neutral and polar, with cysteine, which is neutral and slightly polar, at codon 1744 of the KAT6A protein (p.Tyr1744Cys). This variant is not present in population databases (gnomAD no frequency). This variant has not been reported in the literature in individuals affected with KAT6A-related conditions. ClinVar contains an entry for this variant (Variation ID: 2988591). Invitae Evidence Modeling of protein sequence and biophysical properties (such as structural, functional, and spatial information, amino acid conservation, physicochemical variation, residue mobility, and thermodynamic stability) indicates that this missense variant is not expected to disrupt KAT6A protein function with a negative predictive value of 95%. In summary, the available evidence is currently insufficient to determine the role of this variant in disease. Therefore, it has been classified as a Variant of Uncertain Significance.

NM_006766.5(KAT6A):c.5231A>G (p.Tyr1744Cys)

Gene: KAT6A (lysine acetyltransferase 6A; minus strand). Cytogenetic location: 8p11.21.
Variant type: single nucleotide variant.
Coding change: c.5231A>G on transcript NM_006766.5 (MANE Select); coding-DNA position 5231, A replaced by G.
Protein change: p.Tyr1744Cys; replaces tyrosine 1744 with cysteine.
Molecular consequence: missense variant.
Genome position (GRCh38, 1-based): chr8:41,932,989, T>C on the plus strand (A>G on the coding strand, the complement: KAT6A is on the minus strand). VCF-style: chr8-41932989-T-C. GRCh37 (hg19) VCF-style: chr8-41790507-T-C.
Other names: short protein forms Y1744C.
Identifiers: ClinVar variation 2988591 (VCV002988591.3), dbSNP rs755420898, ClinGen allele CA371063172.
Genomic context (GRCh38, chr8:41,932,989, plus strand): 5'-ATAATGGTGTTGGTCAGCTGCTGCAGCTTGGCTAGGCTGAAGGTGGCTGATGGTTGAGAG[T>C]AGCTGCCGGCACCAAAATCCCCTGGAATCCTCTCATAGATACTTATGTTCCCAGTGCTTC-3'
Protein context (NP_006757.2, residues 1734-1754): RIPGDFGAGS[Tyr1744Cys]SQPSATFSLA